The following is an entry in ClinVar:

ClinVar aggregate classification (germline): Uncertain significance. Review status: criteria provided, multiple submitters, no conflicts (2 of 4 stars). 4 submissions from 4 submitters: Uncertain significance (4). Last evaluated 2026-04-27.

Conditions:
TTN-related disorder. Also called: TTN-related condition; TTN-related disease; TTN-related disorders.
Cardiovascular phenotype. Identifiers: MedGen CN230736.
Early-onset myopathy with fatal cardiomyopathy (CMYO5). Also called: Salih Myopathy; CONGENITAL MYOPATHY 5 WITH CARDIOMYOPATHY. Identifiers: Orphanet 289377, MedGen C2673677, MONDO:0012714, OMIM 611705. Disease mechanism: loss of function.
Dilated cardiomyopathy 1G (CMD1G). Identifiers: Orphanet 154, MedGen C1858763, MONDO:0011400, OMIM 604145.
Autosomal recessive limb-girdle muscular dystrophy type 2J (LGMDR10). Also called: Limb-girdle muscular dystrophy, type 2J; MUSCULAR DYSTROPHY, LIMB-GIRDLE, AUTOSOMAL RECESSIVE 10. Identifiers: Orphanet 140922, MedGen C1837342, MONDO:0012127, OMIM 608807.
Tibial muscular dystrophy (TMD). Also called: Tibial muscular dystrophy, tardive; Udd Distal Myopathy – Tibial Muscular Dystrophy; UDD MYOPATHY. Identifiers: Orphanet 609, MedGen C1838244, MONDO:0010870, OMIM 600334.
Myopathy, myofibrillar, 9, with early respiratory failure (MFM9). Also called: Myopathy, distal, with early respiratory failure, autosomal dominant; MYOPATHY, PROXIMAL, WITH EARLY RESPIRATORY MUSCLE INVOLVEMENT; Hereditary myopathy with early respiratory failure; EDSTROM MYOPATHY. Identifiers: Orphanet 178464, Orphanet 34521, MedGen C1863599, MONDO:0011362, OMIM 603689.
Hypertrophic cardiomyopathy 9. Also called: Familial hypertrophic cardiomyopathy 9. Identifiers: MedGen C1861065, MONDO:0013412, OMIM 613765.

Allele frequency attached by ClinVar (database versions not stated): gnomAD exomes 0.00001.
gnomAD v4.1: 7 of 1,613,418 alleles (0.00043%); highest among the groups gnomAD compares: Non-Finnish European, 0.00059%; no homozygotes.

Submissions (4):

PreventionGenetics, part of Exact Sciences
Classification: Uncertain significance for TTN-related condition. Last evaluated: 2026-04-27. Review status: criteria provided, single submitter. Criteria: ACMG Guidelines, 2015. Collection method: clinical testing. Allele origin: germline.
Comment: The TTN c.81431A>G variant is predicted to result in the amino acid substitution p.Glu27144Gly. This variant has been reported in a cardiomyopathy cohort (Table S1, Weinand et al. 2025. PubMed ID: 38945504). This variant has not been reported in a large population database (gnomAD), indicating this variant is rare. At this time, the clinical significance of this variant is uncertain due to the absence of conclusive functional and genetic evidence.

GeneDx
Classification: Uncertain significance. Last evaluated: 2022-08-02. Review status: criteria provided, single submitter. Criteria: GeneDx Variant Classification Process June 2021. Collection method: clinical testing. Allele origin: germline. Affected: yes.
Comment: Not observed at significant frequency in large population cohorts (gnomAD); Missense variant in a gene in which most reported pathogenic variants are truncating/loss of function; Has not been previously published as pathogenic or benign to our knowledge; This variant is associated with the following publications: (PMID: 23975875)

Fulgent Genetics
Classification: Uncertain significance for Tibial muscular dystrophy; Myopathy, myofibrillar, 9, with early respiratory failure; Dilated cardiomyopathy 1G; Autosomal recessive limb-girdle muscular dystrophy type 2J; Early-onset myopathy with fatal cardiomyopathy; Hypertrophic cardiomyopathy 9. Last evaluated: 2021-07-22. Review status: criteria provided, single submitter. Criteria: ACMG Guidelines, 2015. Collection method: clinical testing. Allele origin: unknown.

Ambry Genetics
Classification: Uncertain significance for Cardiovascular phenotype. Last evaluated: 2019-07-15. Review status: criteria provided, single submitter. Criteria: Ambry Variant Classification Scheme 2023. Collection method: clinical testing. Allele origin: germline.
Comment: The p.E18079G variant (also known as c.54236A>G), located in coding exon 153 of the TTN gene, results from an A to G substitution at nucleotide position 54236. The glutamic acid at codon 18079 is replaced by glycine, an amino acid with similar properties. This amino acid position is highly conserved in available vertebrate species. In addition, the in silico prediction for this alteration is inconclusive. Since supporting evidence is limited at this time, the clinical significance of this alteration remains unclear.

NM_001267550.2(TTN):c.81431A>G (p.Glu27144Gly)

Genes: TTN (titin; minus strand), TTN-AS1 (TTN antisense RNA 1; plus strand). Cytogenetic location: 2q31.2.
Variant type: single nucleotide variant.
Coding change: c.81431A>G on transcript NM_001267550.2 (MANE Select); coding-DNA position 81431, A replaced by G.
Protein change: p.Glu27144Gly; replaces glutamic acid 27144 with glycine.
Molecular consequence: missense variant.
Genome position (GRCh38, 1-based): chr2:178,564,701, T>C on the plus strand (A>G on the coding strand, the complement: TTN is on the minus strand). VCF-style: chr2-178564701-T-C. GRCh37 (hg19) VCF-style: chr2-179429428-T-C.
Other names: p.E25503G:GAG>GGG; c.81431A>G (NM_001267550.1); c.76508A>G, p.Glu25503Gly (NM_001256850.1); c.54236A>G, p.Glu18079Gly (NM_003319.4); c.73727A>G, p.Glu24576Gly (NM_133378.4); c.54611A>G, p.Glu18204Gly (NM_133432.3); c.54812A>G, p.Glu18271Gly (NM_133437.4); short protein forms E25503G, E27144G, E18204G, E24576G, E18079G, E18271G.
Identifiers: ClinVar variation 202906 (VCV000202906.8), dbSNP rs794729512, ClinGen allele CA310650.
Genomic context (GRCh38, chr2:178,564,701, plus strand): 5'-CATTCTGACACTTTGCTAGGCTTGCCAATGCCAACAATATTTTCAGCAGAAACTTTGAAC[T>C]CATACTCAAGGCCCTCATCAAGCCCAGTTGTTTTGAATTTGGTGTCCTGAATGGGGGTCT-3'
Protein context (NP_001254479.2, residues 27134-27154): TTGLDEGLEY[Glu27144Gly]FKVSAENIVG